The following is an entry in ClinVar:

ClinVar aggregate classification (germline): Likely pathogenic (1 of 4 stars; one submission).

gnomAD v4.1: 2 of 1,614,004 alleles (0.00012%); highest among the groups gnomAD compares: African/African-American, 0.0013%; no homozygotes.

Submission:

GeneDx
Classification: Likely pathogenic. Last evaluated: 2024-09-23. Review status: criteria provided, single submitter. Criteria: GeneDx Variant Classification Process June 2021. Collection method: clinical testing. Allele origin: germline. Affected: yes.
Comment: Not observed at significant frequency in large population cohorts (gnomAD); In silico analysis supports that this missense variant has a deleterious effect on protein structure/function; This variant is associated with the following publications: (PMID: 34748075)

NM_001303052.2(MYT1L):c.625G>A (p.Gly209Ser)

Gene: MYT1L (myelin transcription factor 1 like; minus strand). Cytogenetic location: 2p25.3.
Variant type: single nucleotide variant.
Coding change: c.625G>A on transcript NM_001303052.2 (MANE Select); coding-DNA position 625, G replaced by A.
Protein change: p.Gly209Ser; replaces glycine 209 with serine.
Molecular consequence: missense variant.
Genome position (GRCh38, 1-based): chr2:1,923,144, C>T on the plus strand (G>A on the coding strand, the complement: MYT1L is on the minus strand). VCF-style: chr2-1923144-C-T. GRCh37 (hg19) VCF-style: chr2-1926916-C-T.
Other names: c.625G>A, p.Gly209Ser (NM_001329844.2, NM_001329845.1, NM_001329846.3 and 6 more transcripts); short protein forms G209S.
Identifiers: ClinVar variation 1344967 (VCV001344967.3), dbSNP rs2149110239, ClinGen allele CA345707396.
Genomic context (GRCh38, chr2:1,923,144, plus strand): 5'-TATTGCTGTTCATTTCTGACTCAGTCCTGGCCCGGTAGGCTGCATCCTCAGCGATTTTGC[C>T]GAGGTTTAACAATGACTTGGCCACCAGTTCATCGTAATTGTCATATTCGTCATTATTGTT-3'
Protein context (NP_001289981.1, residues 199-219): ELVAKSLLNL[Gly209Ser]KIAEDAAYRA